The following is an entry in ClinVar:

ClinVar aggregate classification (germline): Uncertain significance. Review status: criteria provided, multiple submitters, no conflicts (2 of 4 stars). 2 submissions from 2 submitters: Uncertain significance (2). Last evaluated 2025-12-15.

Conditions:
Inborn genetic diseases. Identifiers: MedGen C0950123, MeSH D030342.

Allele frequency attached by ClinVar (database versions not stated): gnomAD 0.00013; TOPMed 0.00013; gnomAD exomes 0.00017; ESP Exome Variant Server 0.00031; ExAC 0.00035.
gnomAD v4.1: 279 of 1,613,878 alleles (0.017%); highest among the groups gnomAD compares: Non-Finnish European, 0.019%; no homozygotes.

Submissions (2):

Ambry Genetics
Classification: Uncertain significance for Inborn genetic diseases. Last evaluated: 2025-12-15. Review status: criteria provided, single submitter. Criteria: Ambry Variant Classification Scheme 2023. Collection method: clinical testing. Allele origin: germline.

CeGaT Center for Human Genetics Tuebingen
Classification: Uncertain significance. Last evaluated: 2025-05-01. Review status: criteria provided, single submitter. Criteria: CeGaT Center For Human Genetics Tuebingen Variant Classification Criteria Version 2. Collection method: clinical testing. Allele origin: germline. Affected: yes. Observed: 1 variant allele.
Comment: IPO8: PM2, BP4

NM_006390.4(IPO8):c.2857A>G (p.Asn953Asp)

Gene: IPO8 (importin 8; minus strand). Cytogenetic location: 12p11.21.
Variant type: single nucleotide variant.
Coding change: c.2857A>G on transcript NM_006390.4 (MANE Select); coding-DNA position 2857, A replaced by G.
Protein change: p.Asn953Asp; replaces asparagine 953 with aspartic acid.
Molecular consequence: missense variant.
Genome position (GRCh38, 1-based): chr12:30,634,125, T>C on the plus strand (A>G on the coding strand, the complement: IPO8 is on the minus strand). VCF-style: chr12-30634125-T-C. GRCh37 (hg19) VCF-style: chr12-30787059-T-C.
Other names: c.2242A>G, p.Asn748Asp (NM_001190995.2); short protein forms N953D, N748D.
Identifiers: ClinVar variation 2591353 (VCV002591353.12), dbSNP rs140391492, ClinGen allele CA6498550.